The following is an entry in ClinVar:

NM_173354.5(SIK1):c.521A>G (p.Tyr174Cys)

Gene: SIK1 (salt inducible kinase 1; minus strand). Cytogenetic location: 21q22.3.
Variant type: single nucleotide variant.
Coding change: c.521A>G on transcript NM_173354.5 (MANE Select); coding-DNA position 521, A replaced by G.
Protein change: p.Tyr174Cys; replaces tyrosine 174 with cysteine.
Molecular consequence: missense variant.
Genome position (GRCh38, 1-based): chr21:43,421,346, T>C on the plus strand (A>G on the coding strand, the complement: SIK1 is on the minus strand). VCF-style: chr21-43421346-T-C. GRCh37 (hg19) VCF-style: chr21-44841226-T-C.
Other names: short protein forms Y174C.
Identifiers: ClinVar variation 1961681 (VCV001961681.5), dbSNP rs1243837400, ClinGen allele CA410609999.

ClinVar aggregate classification (germline): Uncertain significance (1 of 4 stars; one submission).

Conditions:
Developmental and epileptic encephalopathy, 30 (DEE30). Also called: Epileptic encephalopathy, early infantile, 30. Identifiers: MedGen C4225360, MONDO:0014595, OMIM 616341.

Submission:

Labcorp Genetics (formerly Invitae), Labcorp
Classification: Uncertain significance for Developmental and epileptic encephalopathy, 30. Last evaluated: 2022-12-12. Review status: criteria provided, single submitter. Criteria: Invitae Variant Classification Sherloc (09022015). Collection method: clinical testing. Allele origin: germline.
Comment: This sequence change replaces tyrosine, which is neutral and polar, with cysteine, which is neutral and slightly polar, at codon 174 of the SIK1 protein (p.Tyr174Cys). In summary, the available evidence is currently insufficient to determine the role of this variant in disease. Therefore, it has been classified as a Variant of Uncertain Significance. Advanced modeling of protein sequence and biophysical properties (such as structural, functional, and spatial information, amino acid conservation, physicochemical variation, residue mobility, and thermodynamic stability) performed at Invitae indicates that this missense variant is not expected to disrupt SIK1 protein function. This variant has not been reported in the literature in individuals affected with SIK1-related conditions. This variant is present in population databases (no rsID available, gnomAD 0.007%).